The following is an entry in ClinVar:

ClinVar aggregate classification (germline): Likely benign (0 of 4 stars; one submission).

Conditions:
UBR3-related disorder. Also called: UBR3-related condition.

Allele frequency attached by ClinVar (database versions not stated): gnomAD exomes 0.00002; gnomAD 0.00003; TOPMed 0.00009; ExAC 0.00019.
gnomAD v4.1: 36 of 1,586,240 alleles (0.0023%); highest among the groups gnomAD compares: East Asian, 0.074%; no homozygotes.

Submission:

PreventionGenetics, part of Exact Sciences
Classification: Likely benign for UBR3-related condition. Last evaluated: 2019-12-13. Review status: no assertion criteria provided. Collection method: clinical testing. Allele origin: germline.
Comment: This variant is classified as likely benign based on ACMG/AMP sequence variant interpretation guidelines (Richards et al. 2015 PMID: 25741868, with internal and published modifications).

NM_172070.4(UBR3):c.4893+4T>A

Gene: UBR3 (ubiquitin protein ligase E3 component n-recognin 3; plus strand). Cytogenetic location: 2q31.1.
Variant type: single nucleotide variant.
Coding change: c.4893+4T>A on transcript NM_172070.4 (MANE Select); 4 bases into the intron after coding-DNA position 4893, T replaced by A.
Molecular consequence: intron variant.
Genome position (GRCh38, 1-based): chr2:170,061,190, T>A. VCF-style: chr2-170061190-T-A. GRCh37 (hg19) VCF-style: chr2-170917700-T-A.
Identifiers: ClinVar variation 3048937 (VCV003048937.2), dbSNP rs749535897, ClinGen allele CA1960430.